The following is an entry in ClinVar:

NM_177438.3(DICER1):c.2074A>G (p.Arg692Gly)

Gene: DICER1 (dicer 1, ribonuclease III; minus strand). Cytogenetic location: 14q32.13.
Variant type: single nucleotide variant.
Coding change: c.2074A>G on transcript NM_177438.3 (MANE Select); coding-DNA position 2074, A replaced by G.
Protein change: p.Arg692Gly; replaces arginine 692 with glycine.
Molecular consequence: missense variant. On other transcripts: non-coding transcript variant (6).
Genome position (GRCh38, 1-based): chr14:95,112,214, T>C on the plus strand (A>G on the coding strand, the complement: DICER1 is on the minus strand). VCF-style: chr14-95112214-T-C. GRCh37 (hg19) VCF-style: chr14-95578551-T-C.
Other names: c.2074A>G, p.Arg692Gly (NM_001195573.1, NM_001271282.3, NM_001291628.2 and 12 more transcripts); c.1792A>G, p.Arg598Gly (NM_001395686.1); c.1669A>G, p.Arg557Gly (NM_001395687.1, NM_001395688.1, NM_001395689.1 and 3 more transcripts); c.1507A>G, p.Arg503Gly (NM_001395691.1); c.391A>G, p.Arg131Gly (NM_001395697.1); short protein forms R131G, R598G, R692G, R503G, R557G.
Identifiers: ClinVar variation 4240481 (VCV004240481.3).

ClinVar aggregate classification (germline): Uncertain significance. Review status: criteria provided, multiple submitters, no conflicts (2 of 4 stars). 2 submissions from 2 submitters: Uncertain significance (2). Last evaluated 2026-04-05.

Conditions:
Hereditary cancer-predisposing syndrome. Also called: Neoplastic Syndromes, Hereditary; Tumor predisposition; Hereditary neoplastic syndrome; Hereditary Cancer Syndrome. Identifiers: Orphanet 140162, MedGen C0027672, MeSH D009386, MONDO:0015356.

Submissions (2):

Dasa
Classification: Uncertain significance. Last evaluated: 2026-04-05. Review status: criteria provided, single submitter. Criteria: DASA Assertion Criteria. Collection method: clinical testing. Allele origin: germline.
Comment: NM_177438.3(DICER1):c.2074A>G (p.Arg692Gly) is a missense variant that results in the substitution of arginine with glycine. This variant is rare in population databases. The currently available literature and clinical evidence are not sufficient to establish a definitive association between this variant and the reported condition. Therefore, this variant is classified as a variant of uncertain significance.

Ambry Genetics
Classification: Uncertain significance for Hereditary cancer-predisposing syndrome. Last evaluated: 2025-08-10. Review status: criteria provided, single submitter. Criteria: Ambry Variant Classification Scheme 2023. Collection method: clinical testing. Allele origin: germline.
Comment: The p.R692G variant (also known as c.2074A>G), located in coding exon 12 of the DICER1 gene, results from an A to G substitution at nucleotide position 2074. The arginine at codon 692 is replaced by glycine, an amino acid with dissimilar properties. This amino acid position is conserved. In addition, the in silico prediction for this alteration is inconclusive. Based on the available evidence, the clinical significance of this variant remains unclear.